The following is an entry in ClinVar:

NM_003102.4(SOD3):c.524G>A (p.Gly175Asp)

Gene: SOD3 (superoxide dismutase 3; plus strand). Cytogenetic location: 4p15.2.
Variant type: single nucleotide variant.
Coding change: c.524G>A on transcript NM_003102.4 (MANE Select); coding-DNA position 524, G replaced by A.
Protein change: p.Gly175Asp; replaces glycine 175 with aspartic acid.
Molecular consequence: missense variant.
Genome position (GRCh38, 1-based): chr4:24,800,045, G>A. VCF-style: chr4-24800045-G-A. GRCh37 (hg19) VCF-style: chr4-24801667-G-A.
Other names: short protein forms G175D.
Identifiers: ClinVar variation 3058748 (VCV003058748.2), dbSNP rs373731075, ClinGen allele CA2876295.
Genomic context (GRCh38, chr4:24,800,045, plus strand): 5'-GCCTCTGGAGGTACCGCGCCGGCCTGGCCGCCTCGCTCGCGGGCCCGCACTCCATCGTGG[G>A]CCGGGCCGTGGTCGTCCACGCTGGCGAGGACGACCTGGGCCGCGGCGGCAACCAGGCCAG-3'
Protein context (NP_003093.2, residues 165-185): ASLAGPHSIV[Gly175Asp]RAVVVHAGED

ClinVar aggregate classification (germline): Likely benign (0 of 4 stars; one submission).

Conditions:
SOD3-related disorder. Also called: SOD3-related condition.

Allele frequency attached by ClinVar (database versions not stated): 1000 Genomes Project 30x 0.00078; TOPMed 0.00082; gnomAD 0.00089; ESP Exome Variant Server 0.00102; gnomAD exomes 0.00123; ExAC 0.00325.
gnomAD v4.1: 1,783 of 1,487,564 alleles (0.12%); highest among the groups gnomAD compares: Non-Finnish European, 0.13%; 5 homozygotes.

Submission:

PreventionGenetics, part of Exact Sciences
Classification: Likely benign for SOD3-related condition. Last evaluated: 2020-11-13. Review status: no assertion criteria provided. Collection method: clinical testing. Allele origin: germline.
Comment: This variant is classified as likely benign based on ACMG/AMP sequence variant interpretation guidelines (Richards et al. 2015 PMID: 25741868, with internal and published modifications).